The following is an entry in ClinVar:

ClinVar aggregate classification (germline): Uncertain significance (1 of 4 stars; one submission).

Allele frequency attached by ClinVar (database versions not stated): gnomAD exomes below 0.00001.
gnomAD v4.1: 1 of 1,613,170 alleles (0.000062%); highest among the groups gnomAD compares: Non-Finnish European, 0.000085%; no homozygotes.

Submission:

Ambry Genetics
Classification: Uncertain significance. Last evaluated: 2020-09-16. Review status: criteria provided, single submitter. Criteria: Ambry Variant Classification Scheme 2023. Collection method: clinical testing. Allele origin: germline.
Comment: The p.A534V variant (also known as c.1601C>T), located in coding exon 12 of the RECQL gene, results from a C to T substitution at nucleotide position 1601. The alanine at codon 534 is replaced by valine, an amino acid with similar properties. This amino acid position is poorly conserved in available vertebrate species. In addition, this alteration is predicted to be tolerated by in silico analysis. Since supporting evidence is limited at this time, the clinical significance of this alteration remains unclear.

NM_002907.4(RECQL):c.1601C>T (p.Ala534Val)

Gene: RECQL (RecQ like helicase; minus strand). Cytogenetic location: 12p12.1.
Variant type: single nucleotide variant.
Coding change: c.1601C>T on transcript NM_002907.4 (MANE Select); coding-DNA position 1601, C replaced by T.
Protein change: p.Ala534Val; replaces alanine 534 with valine.
Molecular consequence: missense variant.
Genome position (GRCh38, 1-based): chr12:21,471,494, G>A on the plus strand (C>T on the coding strand, the complement: RECQL is on the minus strand). VCF-style: chr12-21471494-G-A. GRCh37 (hg19) VCF-style: chr12-21624428-G-A.
Other names: c.1601C>T, p.Ala534Val (NM_032941.3); short protein forms A534V.
Identifiers: ClinVar variation 1776189 (VCV001776189.2), dbSNP rs1942962644, ClinGen allele CA384116063.
Genomic context (GRCh38, chr12:21,471,494, plus strand): 5'-TACTGCTGTATTAGAAAGTGTGCAATAATCTTCTCCAGATCTTCACGAGGAAGTGTGGGA[G>A]CCACAACACCTGCTACTCTCAGTTTTGCTGCACCCTTTCCCATCCAAGAATCAATCAGTT-3'
Protein context (NP_002898.2, residues 524-544): AAKLRVAGVV[Ala534Val]PTLPREDLEK